The following is an entry in ClinVar:

NM_138691.3(TMC1):c.1988A>G (p.Asp663Gly)

Gene: TMC1 (transmembrane channel like 1; plus strand). Cytogenetic location: 9q21.13.
Variant type: single nucleotide variant.
Coding change: c.1988A>G on transcript NM_138691.3 (MANE Select); coding-DNA position 1988, A replaced by G.
Protein change: p.Asp663Gly; replaces aspartic acid 663 with glycine.
Molecular consequence: missense variant.
Genome position (GRCh38, 1-based): chr9:72,821,066, A>G. VCF-style: chr9-72821066-A-G. GRCh37 (hg19) VCF-style: chr9-75435982-A-G.
Other names: short protein forms D663G.
Identifiers: ClinVar variation 47865 (VCV000047865.5), dbSNP rs397517837, ClinGen allele CA142063.

ClinVar aggregate classification (germline): Uncertain significance (1 of 4 stars; one submission).

Submission:

Laboratory for Molecular Medicine, Mass General Brigham Personalized Medicine
Classification: Uncertain significance. Last evaluated: 2011-10-20. Review status: criteria provided, single submitter. Criteria: LMM Criteria. Collection method: clinical testing. Allele origin: germline. Observed: 1 variant allele.
Comment: Variant classified as Uncertain Significance - Favor Benign. The Asp663Gly varia nt in TMC1 has not been reported in the literature nor previously identified by our laboratory. Computational analyses (biochemical amino acid properties, homo logy, PolyPhen2, SIFT, AlignGVGD) do not provide strong support for or against p athogenicity. In summary, the clinical significance of this variant cannot be d etermined with certainty at this time.